The following is an entry in ClinVar:

NM_001365536.1(SCN9A):c.153T>A (p.Ser51Arg)

Gene: SCN9A (sodium voltage-gated channel alpha subunit 9; minus strand). Cytogenetic location: 2q24.3.
Variant type: single nucleotide variant.
Coding change: c.153T>A on transcript NM_001365536.1 (MANE Select); coding-DNA position 153, T replaced by A.
Protein change: p.Ser51Arg; replaces serine 51 with arginine.
Molecular consequence: missense variant.
Genome position (GRCh38, 1-based): chr2:166,311,604, A>T on the plus strand (T>A on the coding strand, the complement: SCN9A is on the minus strand). VCF-style: chr2-166311604-A-T. GRCh37 (hg19) VCF-style: chr2-167168114-A-T.
Other names: c.153T>A, p.Ser51Arg (NM_002977.4); short protein forms S51R.
Identifiers: ClinVar variation 429722 (VCV000429722.15), dbSNP rs199836776, ClinGen allele CA1944876.

ClinVar aggregate classification (germline): Conflicting classifications of pathogenicity. Review status: criteria provided, conflicting classifications (1 of 4 stars). 4 submissions from 4 submitters: Uncertain significance (2); Likely benign (2). Last evaluated 2026-04-23.

Conditions:
Inborn genetic diseases. Identifiers: MedGen C0950123, MeSH D030342.
Neuropathy, hereditary sensory and autonomic, type 2A (HSAN2A). Also called: MORVAN DISEASE; NEUROPATHY, CONGENITAL SENSORY; NEUROPATHY, HEREDITARY SENSORY RADICULAR, AUTOSOMAL RECESSIVE; NEUROPATHY, HEREDITARY SENSORY, TYPE IIA; NEUROPATHY, PROGRESSIVE SENSORY, OF CHILDREN; HSAN IIA. Identifiers: Orphanet 970, MedGen C2752089, MONDO:0024309, OMIM 201300.
Generalized epilepsy with febrile seizures plus, type 7 (GEFSP7). Also called: GEFS+, TYPE 7. Identifiers: Orphanet 36387, MedGen C2751778, MONDO:0013470, OMIM 613863.

Allele frequency attached by ClinVar (database versions not stated): TOPMed 0.00002.
gnomAD v4.1: 86 of 1,612,966 alleles (0.0053%); highest among the groups gnomAD compares: Non-Finnish European, 0.00085%; no homozygotes.

Submissions (4):

Women's Health and Genetics/Laboratory Corporation of America, LabCorp
Classification: Likely benign. Last evaluated: 2026-04-23. Review status: criteria provided, single submitter. Criteria: LabCorp Variant Classification Summary - May 2015. Collection method: clinical testing. Allele origin: germline.
Comment: Variant summary: SCN9A c.153T>A (p.Ser51Arg) results in a non-conservative amino acid change in the encoded protein sequence. Algorithms developed to predict the effect of missense changes on protein structure and function are either unavailable or do not agree on the potential impact of this missense change. The variant allele was found at a frequency of 0.00012 in 249434 control chromosomes, predominantly at a frequency of 0.0028 within the Ashkenazi Jewish subpopulation in the gnomAD database. The observed variant frequency within Ashkenazi Jewish control individuals in the gnomAD database exceeds the estimated maximal expected allele frequency for disease-causing variants in SCN9A. To our knowledge, no occurrence of c.153T>A in individuals affected with SCN9A-related conditions and no experimental evidence demonstrating its impact on protein function have been reported. ClinVar contains an entry for this variant (Variation ID: 429722). Based on the evidence outlined above, the variant was classified as likely benign.

Labcorp Genetics (formerly Invitae), Labcorp
Classification: Likely benign for Neuropathy, hereditary sensory and autonomic, type 2A; Generalized epilepsy with febrile seizures plus, type 7. Last evaluated: 2025-07-06. Review status: criteria provided, single submitter. Criteria: Invitae Variant Classification Sherloc (09022015). Collection method: clinical testing. Allele origin: germline.

Ambry Genetics
Classification: Uncertain significance for Inborn genetic diseases. Last evaluated: 2020-03-18. Review status: criteria provided, single submitter. Criteria: Ambry Variant Classification Scheme 2023. Collection method: clinical testing. Allele origin: germline.
Comment: The p.S51R variant (also known as c.153T>A), located in coding exon 1 of the SCN9A gene, results from a T to A substitution at nucleotide position 153. The serine at codon 51 is replaced by arginine, an amino acid with dissimilar properties. This amino acid position is not well conserved in available vertebrate species. In addition, the in silico prediction for this alteration is inconclusive. Since supporting evidence is limited at this time, the clinical significance of this alteration remains unclear.

GeneDx
Classification: Uncertain significance. Last evaluated: 2017-05-11. Review status: criteria provided, single submitter. Criteria: GeneDx Variant Classification (06012015). Collection method: clinical testing. Allele origin: germline. Affected: yes.
Comment: The S51R variant has not been published as a pathogenic variant, nor has it been reported as a benign variant to our knowledge. The S51R variant is observed in 13/66740 (0.02%) alleles from individuals of European background (Lek et al., 2016; 1000 Genomes Consortium et al., 2015; Exome Variant Server). This variant is a semi-conservative amino acid substitution, which may impact secondary protein structure as these residues differ in some properties. However, this substitution occurs at a position that is not conserved, and missense variants in nearby residues have not been reported in the Human Gene Mutation Database in association with SCN9A-related disorders (Stenson et al., 2014). In silico analysis is inconsistent in its predictions as to whether or not the variant is damaging to the protein structure/function.